The following is an entry in ClinVar:

NM_003242.6(TGFBR2):c.1238T>G (p.Leu413Arg)

Gene: TGFBR2 (transforming growth factor beta receptor 2; plus strand). Cytogenetic location: 3p24.1.
Variant type: single nucleotide variant.
Coding change: c.1238T>G on transcript NM_003242.6 (MANE Select); coding-DNA position 1238, T replaced by G.
Protein change: p.Leu413Arg; replaces leucine 413 with arginine.
Molecular consequence: missense variant. On other transcripts: intron variant (1).
Genome position (GRCh38, 1-based): chr3:30,672,421, T>G. VCF-style: chr3-30672421-T-G. GRCh37 (hg19) VCF-style: chr3-30713913-T-G.
Other names: c.1313T>G, p.Leu438Arg (NM_001024847.3); c.1421T>G, p.Leu474Arg (NM_001407126.1); c.1346T>G, p.Leu449Arg (NM_001407127.1); c.1265T>G, p.Leu422Arg (NM_001407128.1); c.1241T>G, p.Leu414Arg (NM_001407129.1); c.1238T>G, p.Leu413Arg (NM_001407130.1); c.1133T>G, p.Leu378Arg (NM_001407132.1, NM_001407133.1, NM_001407134.1 and 2 more transcripts); c.953T>G, p.Leu318Arg (NM_001407137.1); and 3 more; short protein forms L293R, L449R, L474R, L414R, L438R, L378R, L413R, L422R.
Identifiers: ClinVar variation 2739883 (VCV002739883.4), dbSNP rs1559467328, ClinGen allele CA351808823.
Genomic context (GRCh38, chr3:30,672,421, plus strand): 5'-GCTGCCTGTGTGACTTTGGGCTTTCCCTGCGTCTGGACCCTACTCTGTCTGTGGATGACC[T>G]GGCTAACAGTGGGCAGGTAAGTTAGAGCTAGTGCTAGATCCCCTTTACCTTGAGCCTGGC-3'
Protein context (NP_003233.4, residues 403-423): RLDPTLSVDD[Leu413Arg]ANSGQVGTAR

ClinVar aggregate classification (germline): Uncertain significance. Review status: criteria provided, multiple submitters, no conflicts (2 of 4 stars). 2 submissions from 2 submitters: Uncertain significance (2). Last evaluated 2026-02-14.

Conditions:
Familial thoracic aortic aneurysm and aortic dissection (TAAD). Also called: Thoracic aortic aneurysms and dissections. Identifiers: Orphanet 91387, MedGen C4707243, MONDO:0019625.

Submissions (2):

GeneDx
Classification: Uncertain significance. Last evaluated: 2026-02-14. Review status: criteria provided, single submitter. Criteria: GeneDx Variant Classification Process June 2021. Collection method: clinical testing. Allele origin: germline.
Comment: Not observed at significant frequency in large population cohorts (gnomAD); In silico analysis supports that this missense variant has a deleterious effect on protein structure/function; Has not been previously published as pathogenic or benign to our knowledge

Labcorp Genetics (formerly Invitae), Labcorp
Classification: Uncertain significance for Familial thoracic aortic aneurysm and aortic dissection. Last evaluated: 2024-03-18. Review status: criteria provided, single submitter. Criteria: Invitae Variant Classification Sherloc (09022015). Collection method: clinical testing. Allele origin: germline.
Comment: This sequence change replaces leucine, which is neutral and non-polar, with arginine, which is basic and polar, at codon 413 of the TGFBR2 protein (p.Leu413Arg). This variant is not present in population databases (gnomAD no frequency). This variant has not been reported in the literature in individuals affected with TGFBR2-related conditions. Advanced modeling of protein sequence and biophysical properties (such as structural, functional, and spatial information, amino acid conservation, physicochemical variation, residue mobility, and thermodynamic stability) performed at Invitae indicates that this missense variant is expected to disrupt TGFBR2 protein function with a positive predictive value of 95%. In summary, the available evidence is currently insufficient to determine the role of this variant in disease. Therefore, it has been classified as a Variant of Uncertain Significance.